The following is an entry in ClinVar:

ClinVar aggregate classification (germline): Uncertain significance (1 of 4 stars; one submission).

Conditions:
Inborn genetic diseases. Identifiers: MedGen C0950123, MeSH D030342.

gnomAD v4.1: 1 of 1,210,079 alleles (0.000083%); highest among the groups gnomAD compares: Admixed American, 0.0022%; no homozygotes.

Submission:

Ambry Genetics
Classification: Uncertain significance for Inborn genetic diseases. Last evaluated: 2026-06-23. Review status: criteria provided, single submitter. Criteria: Ambry Variant Classification Scheme 2023. Collection method: clinical testing. Allele origin: germline.
Comment: The c.205G>A (p.E69K) alteration is located in exon 4 (coding exon 2) of the TRAPPC2 gene. This alteration results from a G to A substitution at nucleotide position 205, causing the glutamic acid (E) at amino acid position 69 to be replaced by a lysine (K). Based on data from gnomAD, the A allele has an overall frequency of 0.005% (1/21886) total alleles studied. The highest observed frequency was 0.161% (1/620) of Latino alleles. Based on insufficient or conflicting evidence, the clinical significance of this alteration remains unclear.

NM_001011658.4(TRAPPC2):c.205G>A (p.Glu69Lys)

Genes: OFD1 (OFD1 centriole and centriolar satellite protein; plus strand), TRAPPC2 (trafficking protein particle complex subunit 2; minus strand). Cytogenetic location: Xp22.2.
Variant type: single nucleotide variant.
Coding change: c.205G>A on transcript NM_001011658.4 (MANE Select); coding-DNA position 205, G replaced by A.
Protein change: p.Glu69Lys; replaces glutamic acid 69 with lysine.
Molecular consequence: missense variant.
Genome position (GRCh38, 1-based): chrX:13,716,567, C>T on the plus strand (G>A on the coding strand, the complement: TRAPPC2 is on the minus strand). VCF-style: chrX-13716567-C-T. GRCh37 (hg19) VCF-style: chrX-13734686-C-T.
Other names: c.307G>A, p.Glu103Lys (NM_001128835.3); c.205G>A, p.Glu69Lys (NM_014563.6); short protein forms E103K, E69K.
Identifiers: ClinVar variation 5031090 (VCV005031090.1).